The following is an entry in ClinVar:

ClinVar aggregate classification (germline): Benign. Review status: criteria provided, multiple submitters, no conflicts (2 of 4 stars). 4 submissions from 4 submitters: Benign (4). Last evaluated 2026-01-30.

Conditions:
ADAT3-related disorder. Also called: ADAT3-related condition.

Allele frequency attached by ClinVar (database versions not stated): 1000 Genomes Project 0.00120; ExAC 0.00240; 1000 Genomes Project 30x 0.00250; ESP Exome Variant Server 0.00755; gnomAD exomes 0.00762 and 0.01494; TOPMed 0.00939; gnomAD 0.00958 and 0.00993.
gnomAD v4.1: 21,458 of 1,497,734 alleles (1.4%); highest among the groups gnomAD compares: Non-Finnish European, 1.7%; 177 homozygotes.

Submissions (4):

PreventionGenetics, part of Exact Sciences
Classification: Benign for ADAT3-related condition. Last evaluated: 2026-01-30. Review status: criteria provided, single submitter. Criteria: ACMG Guidelines, 2015. Collection method: clinical testing. Allele origin: germline.
Comment: This variant is classified as benign based on ACMG/AMP sequence variant interpretation guidelines (Richards et al. 2015 PMID: 25741868, with internal and published modifications).

Genetic Services Laboratory, University of Chicago
Classification: Benign. Last evaluated: 2020-05-27. Review status: criteria provided, single submitter. Criteria: ACMG Guidelines, 2015. Collection method: clinical testing. Allele origin: germline. Affected: no.

Labcorp Genetics (formerly Invitae), Labcorp
Classification: Benign. Last evaluated: 2019-12-31. Review status: criteria provided, single submitter. Criteria: Invitae Variant Classification Sherloc (09022015). Collection method: clinical testing. Allele origin: germline.

Breakthrough Genomics
Classification: Benign. Review status: criteria provided, single submitter. Criteria: ACMG Guidelines, 2015. Collection method: not provided. Allele origin: germline. Inheritance: Autosomal recessive inheritance. Affected: yes.

NM_138422.4(ADAT3):c.522C>T (p.Ser174=)

Genes: ADAT3 (adenosine deaminase tRNA specific 3; plus strand), SCAMP4 (secretory carrier membrane protein 4; plus strand). Cytogenetic location: 19p13.3.
Variant type: single nucleotide variant.
Coding change: c.522C>T on transcript NM_138422.4 (MANE Select); coding-DNA position 522, C replaced by T.
Protein change: p.Ser174=; no amino-acid change (serine 174 retained).
Molecular consequence: synonymous variant. On other transcripts: intron variant (3).
Genome position (GRCh38, 1-based): chr19:1,912,569, C>T. VCF-style: chr19-1912569-C-T. GRCh37 (hg19) VCF-style: chr19-1912568-C-T.
Other names: c.474C>T, p.Ser158= (NM_001329533.2); c.-41-2410C>T (NM_079834.4, NM_001329540.2); c.-125-5125C>T (NM_001329539.2).
Identifiers: ClinVar variation 774951 (VCV000774951.10), dbSNP rs373784387, ClinGen allele CA9054555.